The following is an entry in ClinVar:

ClinVar aggregate classification (germline): Uncertain significance (1 of 4 stars; one submission).

Conditions:
Autosomal dominant nonsyndromic hearing loss 1. Also called: DEAFNESS, AUTOSOMAL DOMINANT 1, WITH OR WITHOUT THROMBOCYTOPENIA; KONIGSMARK SYNDROME. Identifiers: Orphanet 90635, MedGen C1852282, MONDO:0007424, OMIM 124900.
Progressive microcephaly-seizures-cortical blindness-developmental delay syndrome. Also called: Seizures, cortical blindness, and microcephaly syndrome. Identifiers: Orphanet 477814, MedGen C5567650, MONDO:0014714, OMIM 616632.

gnomAD v4.1: 4 of 1,291,658 alleles (0.00031%); highest among the groups gnomAD compares: East Asian, 0.0061%; no homozygotes.

Submission:

Labcorp Genetics (formerly Invitae), Labcorp
Classification: Uncertain significance for Progressive microcephaly-seizures-cortical blindness-developmental delay syndrome; Autosomal dominant nonsyndromic hearing loss 1. Last evaluated: 2025-12-03. Review status: criteria provided, single submitter. Criteria: Invitae Variant Classification Sherloc (09022015). Collection method: clinical testing. Allele origin: germline.
Comment: This sequence change replaces aspartic acid, which is acidic and polar, with asparagine, which is neutral and polar, at codon 1060 of the DIAPH1 protein (p.Asp1060Asn). The frequency data for this variant in the population databases is considered unreliable, as metrics indicate poor data quality at this position in the gnomAD database. This variant has not been reported in the literature in individuals affected with DIAPH1-related conditions. An algorithm developed to predict the effect of missense changes on protein structure and function (PolyPhen-2) suggests that this variant is likely to be tolerated. In summary, the available evidence is currently insufficient to determine the role of this variant in disease. Therefore, it has been classified as a Variant of Uncertain Significance.

NM_005219.5(DIAPH1):c.3178G>A (p.Asp1060Asn)

Gene: DIAPH1 (diaphanous related formin 1; minus strand). Cytogenetic location: 5q31.3.
Variant type: single nucleotide variant.
Coding change: c.3178G>A on transcript NM_005219.5 (MANE Select); coding-DNA position 3178, G replaced by A.
Protein change: p.Asp1060Asn; replaces aspartic acid 1060 with asparagine.
Molecular consequence: missense variant.
Genome position (GRCh38, 1-based): chr5:141,527,668, C>T on the plus strand (G>A on the coding strand, the complement: DIAPH1 is on the minus strand). VCF-style: chr5-141527668-C-T. GRCh37 (hg19) VCF-style: chr5-140907235-C-T.
Other names: c.3151G>A, p.Asp1051Asn (NM_001079812.3); c.3178G>A, p.Asp1060Asn (NM_001314007.2); short protein forms D1060N, D1051N.
Identifiers: ClinVar variation 4795030 (VCV004795030.1).